The following is an entry in ClinVar:

ClinVar aggregate classification (germline): Likely benign (1 of 4 stars; one submission).

gnomAD v4.1: 1 of 1,211,021 alleles (0.000083%); highest among the groups gnomAD compares: Non-Finnish European, 0.00011%; no homozygotes.

Submission:

CeGaT Center for Human Genetics Tuebingen
Classification: Likely benign. Last evaluated: 2025-08-01. Review status: criteria provided, single submitter. Criteria: CeGaT Center For Human Genetics Tuebingen Variant Classification Criteria Version 2. Collection method: clinical testing. Allele origin: germline. Affected: yes. Observed: 1 variant allele.
Comment: GPC3: BP4, BP7

NM_004484.4(GPC3):c.681G>A (p.Arg227=)

Gene: GPC3 (glypican 3; minus strand). Cytogenetic location: Xq26.2.
Variant type: single nucleotide variant.
Coding change: c.681G>A on transcript NM_004484.4 (MANE Select); coding-DNA position 681, G replaced by A.
Protein change: p.Arg227=; no amino-acid change (arginine 227 retained).
Molecular consequence: synonymous variant.
Genome position (GRCh38, 1-based): chrX:133,753,833, C>T on the plus strand (G>A on the coding strand, the complement: GPC3 is on the minus strand). VCF-style: chrX-133753833-C-T. GRCh37 (hg19) VCF-style: chrX-132887860-C-T.
Other names: c.681G>A, p.Arg227= (NM_001164617.2); c.633G>A, p.Arg211= (NM_001164618.2); c.519G>A, p.Arg173= (NM_001164619.2).
Identifiers: ClinVar variation 4083921 (VCV004083921.8).